The following is an entry in ClinVar:

NM_144672.4(OTOA):c.121-1G>C

Gene: OTOA (otoancorin). Cytogenetic location: 16p12.2.
Variant type: single nucleotide variant.
Coding change: c.121-1G>C on transcript NM_144672.4 (MANE Select); the canonical splice acceptor site of the intron before coding-DNA position 121, G replaced by C.
Molecular consequence: splice acceptor variant.
Genome position (GRCh38, 1-based): chr16:21,679,035, G>C. VCF-style: chr16-21679035-G-C. GRCh37 (hg19) VCF-style: chr16-21690356-G-C.
Identifiers: ClinVar variation 5005543 (VCV005005543.2).

ClinVar aggregate classification (germline): Likely pathogenic (1 of 4 stars; one submission).

Conditions:
Autosomal recessive nonsyndromic hearing loss 22. Identifiers: Orphanet 90636, MedGen C1846896, MONDO:0011762, OMIM 607039.

Submission:

Juno Genomics, Hangzhou Juno Genomics, Inc
Classification: Likely pathogenic for Autosomal recessive nonsyndromic hearing loss 22. Review status: criteria provided, single submitter. Criteria: ACMG Guidelines, 2015. Collection method: clinical testing. Allele origin: germline.
Comment: Null variant in a gene where loss of function (LOF) is a known mechanism of disease.;Absent from controls (or at extremely low frequency if recessive) in Genome Aggregation Database.